The following is an entry in ClinVar:

ClinVar aggregate classification (germline): Uncertain significance (1 of 4 stars; one submission).

Allele frequency attached by ClinVar (database versions not stated): ExAC 0.00001; gnomAD 0.00001; gnomAD exomes 0.00001; TOPMed 0.00001.

Submission:

Labcorp Genetics (formerly Invitae), Labcorp
Classification: Uncertain significance. Last evaluated: 2021-08-23. Review status: criteria provided, single submitter. Criteria: Invitae Variant Classification Sherloc (09022015). Collection method: clinical testing. Allele origin: germline.
Comment: This variant has not been reported in the literature in individuals affected with PTPN23-related conditions. In summary, the available evidence is currently insufficient to determine the role of this variant in disease. Therefore, it has been classified as a Variant of Uncertain Significance. Algorithms developed to predict the effect of missense changes on protein structure and function output the following: SIFT: "Tolerated"; PolyPhen-2: "Benign"; Align-GVGD: "Class C0". The valine amino acid residue is found in multiple mammalian species, which suggests that this missense change does not adversely affect protein function. This variant is present in population databases (rs764981821, ExAC 0.002%). This sequence change replaces isoleucine with valine at codon 1389 of the PTPN23 protein (p.Ile1389Val). The isoleucine residue is weakly conserved and there is a small physicochemical difference between isoleucine and valine.

NM_015466.4(PTPN23):c.4165A>G (p.Ile1389Val)

Gene: PTPN23 (protein tyrosine phosphatase non-receptor type 23; plus strand). Cytogenetic location: 3p21.31.
Variant type: single nucleotide variant.
Coding change: c.4165A>G on transcript NM_015466.4 (MANE Select); coding-DNA position 4165, A replaced by G.
Protein change: p.Ile1389Val; replaces isoleucine 1389 with valine.
Molecular consequence: missense variant.
Genome position (GRCh38, 1-based): chr3:47,412,185, A>G. VCF-style: chr3-47412185-A-G. GRCh37 (hg19) VCF-style: chr3-47453675-A-G.
Other names: c.3787A>G, p.Ile1263Val (NM_001304482.2); short protein forms I1263V, I1389V.
Identifiers: ClinVar variation 1413005 (VCV001413005.5), dbSNP rs764981821, ClinGen allele CA2366487.
Genomic context (GRCh38, chr3:47,412,185, plus strand): 5'-CGCTTCATCCAGGAGGTGCACGCACATTACCTGCATCAGCGGCCGCTGCACACGCCCATC[A>G]TTGTGCACTGCAGGTAGAGGGTGGGCCTGAGGGTCTCTCCTCTATGGGCTCTTGGCCTAG-3'
Protein context (NP_056281.1, residues 1379-1399): LHQRPLHTPI[Ile1389Val]VHCSSGVGRT